The following is an entry in ClinVar:

ClinVar aggregate classification (germline): Pathogenic (1 of 4 stars; one submission).

Conditions:
Mandibulofacial dysostosis-microcephaly syndrome (MFDGA). Also called: Growth and mental retardation, mandibulofacial dysostosis, microcephaly, and cleft palate; Mandibulofacial dysostosis, Guion-Almeida type. Identifiers: Orphanet 79113, MedGen C1864652, MONDO:0012516, OMIM 610536.

Submission:

Variantyx, Inc.
Classification: Pathogenic for Mandibulofacial dysostosis-microcephaly syndrome. Last evaluated: 2025-05-12. Review status: criteria provided, single submitter. Criteria: Variantyx Assertion Criteria 2022. Collection method: clinical testing. Allele origin: de novo. Inheritance: Autosomal dominant inheritance. Affected: yes.
Comment: This is a nonsense variant in the EFTUD2 gene (OMIM: 603892). Pathogenic variants in this gene have been associated with autosomal dominant mandibulofacial dysostosis with microcephaly. The alteration introduces a premature termination codon in exon 3 out of 28 and is expected to result in loss of function, which is a known disease mechanism for EFTUD2 in this disorder (PMID: 28643921, 34693919) (PVS1). This variant is absent from control populations (PM2). Based on the current evidence, this variant is classified as pathogenic for autosomal dominant mandibulofacial dysostosis with microcephaly.

Literature cited by the submitters: PubMed 28643921; PubMed 34693919.

NM_004247.4(EFTUD2):c.259C>T (p.Gln87Ter)

Gene: EFTUD2 (elongation factor Tu GTP binding domain containing 2; minus strand). Cytogenetic location: 17q21.31.
Variant type: single nucleotide variant.
Coding change: c.259C>T on transcript NM_004247.4 (MANE Select); coding-DNA position 259, C replaced by T.
Protein change: p.Gln87Ter; replaces glutamine 87 with a stop codon.
Molecular consequence: nonsense.
Genome position (GRCh38, 1-based): chr17:44,886,597, G>A on the plus strand (C>T on the coding strand, the complement: EFTUD2 is on the minus strand). VCF-style: chr17-44886597-G-A. GRCh37 (hg19) VCF-style: chr17-42963965-G-A.
Other names: c.154C>T, p.Gln52Ter (NM_001142605.2); c.259C>T, p.Gln87Ter (NM_001258353.2, NM_001258354.2); short protein forms Q52*, Q87*.
Identifiers: ClinVar variation 4850697 (VCV004850697.1).